The following is an entry in ClinVar:

NM_000540.3(RYR1):c.4766A>C (p.Gln1589Pro)

Gene: RYR1 (ryanodine receptor 1; plus strand). Cytogenetic location: 19q13.2.
Variant type: single nucleotide variant.
Coding change: c.4766A>C on transcript NM_000540.3 (MANE Select); coding-DNA position 4766, A replaced by C.
Protein change: p.Gln1589Pro; replaces glutamine 1589 with proline.
Molecular consequence: missense variant.
Genome position (GRCh38, 1-based): chr19:38,483,348, A>C. VCF-style: chr19-38483348-A-C. GRCh37 (hg19) VCF-style: chr19-38973988-A-C.
Other names: NM_000540.3(RYR1):c.4766A>C; p.Gln1589Pro; c.4766A>C, p.Gln1589Pro (NM_001042723.2); short protein forms Q1589P.
Identifiers: ClinVar variation 544377 (VCV000544377.14), dbSNP rs780420237, ClinGen allele CA066436.

ClinVar aggregate classification (germline): Uncertain significance. Review status: criteria provided, multiple submitters, no conflicts (2 of 4 stars). 7 submissions from 7 submitters: Uncertain significance (7). Last evaluated 2025-11-14.

Conditions:
Congenital myopathy with fiber type disproportion. Also called: Congenital fiber-type disproportion; Congenital fiber-type disproportion myopathy. Identifiers: Orphanet 2020, MedGen C0546264, MONDO:0009711. Inheritance: all.
Malignant hyperthermia, susceptibility to, 1 (MHS1). Also called: Malignant hyperthermia suceptibility 1; Anesthesia related hyperthermia; Malignant hyperpyrexia; Fulminating hyperpyrexia; Pharmacogenic myopathy; RYR1-Related Malignant Hyperthermia Susceptibility. Identifiers: Orphanet 423, MedGen C2930980, MONDO:0007783, OMIM 145600.
Central core myopathy (CMYO1A). Also called: Central core disease; Myopathy, central fibrillar; CONGENITAL MYOPATHY 1A, AUTOSOMAL DOMINANT, WITH SUSCEPTIBILITY TO MALIGNANT HYPERTHERMIA. Identifiers: Orphanet 597, MedGen C5830701, MONDO:0007294, OMIM 117000.
Congenital multicore myopathy with external ophthalmoplegia (CMYO1B). Also called: Minicore myopathy with external ophthalmoplegia; MULTIMINICORE DISEASE WITH EXTERNAL OPHTHALMOPLEGIA; MULTICORE MYOPATHY; Congenital myopathy 1B, autosomal recessive; Minicore myopathy. Identifiers: Orphanet 598, Orphanet 98905, MedGen C1850674, MONDO:0009712, OMIM 255320, HP:0003789.
King Denborough syndrome (KDS). Identifiers: MedGen C1840365, MONDO:0020485, OMIM 619542.
RYR1-related myopathy. Identifiers: Orphanet 98742, MedGen CN305348, MONDO:0100150.
RYR1-related disorder. Also called: RYR1-related disorders; RYR1-related condition. Identifiers: MedGen CN239331.

Allele frequency attached by ClinVar (database versions not stated): ExAC below 0.00001; gnomAD exomes below 0.00001 and 0.00001; TOPMed 0.00001; gnomAD 0.00001.
gnomAD v4.1: 2 of 1,561,364 alleles (0.00013%); highest among the groups gnomAD compares: Non-Finnish European, 0.00017%; no homozygotes.

Submissions (7):

GeneDx
Classification: Uncertain significance. Last evaluated: 2025-11-14. Review status: criteria provided, single submitter. Criteria: GeneDx Variant Classification Process June 2021. Collection method: clinical testing. Allele origin: germline.
Comment: In silico analysis supports that this missense variant has a deleterious effect on protein structure/function; Not observed at significant frequency in large population cohorts (gnomAD); This variant is associated with the following publications: (PMID: 32236737)

Labcorp Genetics (formerly Invitae), Labcorp
Classification: Uncertain significance for RYR1-related disorder. Last evaluated: 2024-10-17. Review status: criteria provided, single submitter. Criteria: Invitae Variant Classification Sherloc (09022015). Collection method: clinical testing. Allele origin: germline.
Comment: This sequence change replaces glutamine, which is neutral and polar, with proline, which is neutral and non-polar, at codon 1589 of the RYR1 protein (p.Gln1589Pro). This variant is present in population databases (rs780420237, gnomAD 0.002%). This missense change has been observed in individual(s) with clinical features of RYR1-related conditions (internal data). ClinVar contains an entry for this variant (Variation ID: 544377). Invitae Evidence Modeling of protein sequence and biophysical properties (such as structural, functional, and spatial information, amino acid conservation, physicochemical variation, residue mobility, and thermodynamic stability) indicates that this missense variant is expected to disrupt RYR1 protein function with a positive predictive value of 80%. In summary, the available evidence is currently insufficient to determine the role of this variant in disease. Therefore, it has been classified as a Variant of Uncertain Significance.

All of Us Research Program, National Institutes of Health
Classification: Uncertain significance for Malignant hyperthermia, susceptibility to, 1. Last evaluated: 2024-05-14. Review status: criteria provided, single submitter. Criteria: ACMG Guidelines, 2015. Collection method: clinical testing. Allele origin: germline. Inheritance: Autosomal dominant inheritance. Observed: 1 variant allele, 1 heterozygote.
Comment: This missense variant replaces glutamine with proline at codon 1589 of the RYR1 protein. Computational prediction suggests that this variant may have deleterious impact on protein structure and function. To our knowledge, functional studies have not been reported for this variant. This variant has not been reported in individuals affected with RYR1-related disorders in the literature. This variant has been identified in 1/169454 chromosomes in the general population by the Genome Aggregation Database (gnomAD). The available evidence is insufficient to determine the role of this variant in disease conclusively. Therefore, this variant is classified as a Variant of Uncertain Significance.

This study involves interpretation of variants in research participants for the purpose of population health screening. Participant phenotype was not available at the time of variant classification. Additional details can be found in publication PMID: 35346344, PMCID: PMC8962531

Color Diagnostics, LLC DBA Color Health
Classification: Uncertain significance for Malignant hyperthermia, susceptibility to, 1. Last evaluated: 2024-04-18. Review status: criteria provided, single submitter. Criteria: ACMG Guidelines, 2015. Collection method: clinical testing. Allele origin: germline.
Comment: This missense variant replaces glutamine with proline at codon 1589 of the RYR1 protein. Computational prediction suggests that this variant may have deleterious impact on protein structure and function. To our knowledge, functional studies have not been reported for this variant. This variant has not been reported in individuals affected with RYR1-related disorders in the literature. This variant has been identified in 1/169454 chromosomes in the general population by the Genome Aggregation Database (gnomAD). The available evidence is insufficient to determine the role of this variant in disease conclusively. Therefore, this variant is classified as a Variant of Uncertain Significance.

Broad Center for Mendelian Genomics, Broad Institute of MIT and Harvard
Classification: Uncertain significance for RYR1-related myopathy. Last evaluated: 2023-01-25. Review status: criteria provided, single submitter. Criteria: ACMG Guidelines, 2015. Collection method: curation. Allele origin: germline. Inheritance: Autosomal recessive inheritance.
Comment: Familial segregation analysis revealed that this variant was in trans with another variant of uncertain significance (NC_000019.10:g.38587339G>T). The p.Gln1589Pro variant in RYR1 has not been previously reported in the literature in individuals with RYR1-related myopathy but has been identified in 0.001% (1/68664) of European (non-Finnish) chromosomes by the Genome Aggregation Database (gnomAD; dbSNP ID: rs780420237). Although this variant has been seen in the general population in a heterozygous state, its frequency is low enough to be consistent with a recessive carrier frequency. This variant has also been reported in ClinVar (Variation ID: 544377) and has been interpreted as a variant of uncertain significance by Invitae and Prevention Genetics. Computational prediction tools and conservation analyses suggest that this variant may impact the protein, though this information is not predictive enough to determine pathogenicity. In summary, the clinical significance of the p.Gln1589Pro variant is uncertain. ACMG/AMP Criteria applied: PM2_Supporting, PP3 (Richards 2015).

Fulgent Genetics
Classification: Uncertain significance for Central core myopathy; Malignant hyperthermia, susceptibility to, 1; Congenital myopathy 4A, autosomal dominant; Congenital multicore myopathy with external ophthalmoplegia; King Denborough syndrome. Last evaluated: 2021-09-10. Review status: criteria provided, single submitter. Criteria: ACMG Guidelines, 2015. Collection method: clinical testing. Allele origin: unknown.

PreventionGenetics, part of Exact Sciences
Classification: Uncertain significance. Last evaluated: 2016-08-26. Review status: criteria provided, single submitter. Criteria: ACMG Guidelines, 2015. Collection method: clinical testing. Allele origin: germline.